The following is an entry in ClinVar:

ClinVar aggregate classification (germline): Likely benign. Review status: criteria provided, multiple submitters, no conflicts (2 of 4 stars). 3 submissions from 3 submitters: Likely benign (2). 1 of the submissions does not count toward it. Last evaluated 2025-01-24.

Conditions:
PIGO-related disorder. Also called: PIGO-related condition.

Submissions (3):

Mayo Clinic Laboratories, Mayo Clinic
Classification: Likely benign. Last evaluated: 2025-01-24. Review status: criteria provided, single submitter. Criteria: ACMG Guidelines, 2015. Collection method: clinical testing. Allele origin: germline. Observed: 1 variant allele.
Comment: BP4, BP7

GeneDx
Classification: Likely benign. Last evaluated: 2023-07-07. Review status: criteria provided, single submitter. Criteria: GeneDx Variant Classification Process June 2021. Collection method: clinical testing. Allele origin: germline. Affected: yes.
Comment: See Variant Classification Assertion Criteria.

PreventionGenetics, part of Exact Sciences
Classification: Likely benign for PIGO-related condition. Last evaluated: 2019-05-25. Review status: no assertion criteria provided. Collection method: clinical testing. Allele origin: germline. Not counted in ClinVar's aggregate classification.
Comment: This variant is classified as likely benign based on ACMG/AMP sequence variant interpretation guidelines (Richards et al. 2015 PMID: 25741868, with internal and published modifications).

NM_032634.4(PIGO):c.*8TG[1]

Gene: PIGO (phosphatidylinositol glycan anchor biosynthesis class O; minus strand). Cytogenetic location: 9p13.3.
Variant type: Microsatellite.
Coding change: c.*8TG[1] on transcript NM_032634.4 (MANE Select); one copy of the 2-base unit TG starting at c.*8; the reference has two copies in a row; one copy, 2 bases deleted.
Molecular consequence: 3 prime UTR variant.
Genome position (GRCh38, 1-based): chr9:35,089,081-35,089,082, CA deleted on the plus strand (TG on the coding strand, the reverse complement: PIGO is on the minus strand); deleting any 2 consecutive bases within chr9:35,089,081-35,089,084 gives the same sequence; the position shown is the placement nearest the transcript's 3' end. VCF-style (leftmost placement, unchanged base first): chr9-35089080-TCA-T. GRCh37 (hg19) VCF-style: chr9-35089077-TCA-T.
Other names: c.*8TG[1] (NM_001201484.2, NM_152850.4); c.*10_*11del (NM_032634.4).
Identifiers: ClinVar variation 420520 (VCV000420520.9), dbSNP rs540040672, ClinGen allele CA5040186.